The following is an entry in ClinVar:

ClinVar aggregate classification (germline): Pathogenic. Review status: reviewed by expert panel (3 of 4 stars). 12 submissions from 12 submitters: Pathogenic (1). 11 of the submissions do not count toward it. Last evaluated 2016-09-08.

Conditions:
Breast-ovarian cancer, familial, susceptibility to, 1 (BROVCA1). Also called: BRCA1 Hereditary Breast and Ovarian Cancer; OVARIAN CANCER, SUSCEPTIBILITY TO. Identifiers: Orphanet 145, MedGen C2676676, MONDO:0011450, OMIM 604370. Disease mechanism: loss of function.
Hereditary cancer-predisposing syndrome. Also called: Hereditary Cancer Syndrome; Hereditary neoplastic syndrome; Neoplastic Syndromes, Hereditary; Tumor predisposition. Identifiers: Orphanet 140162, MedGen C0027672, MeSH D009386, MONDO:0015356.
Hereditary breast ovarian cancer syndrome. Also called: BRCA1- and BRCA2-Associated Hereditary Breast and Ovarian Cancer; Hereditary breast and ovarian cancer syndrome; Hereditary breast and ovarian cancer syndrome (HBOC); Breast and ovarian cancer; Hereditary breast and/or ovarian cancer syndrome; Hereditary breast and ovarian cancer. Identifiers: Orphanet 145, MedGen C0677776, MeSH D061325, MONDO:0003582. Disease mechanism: loss of function.

Allele frequency attached by ClinVar (database versions not stated): gnomAD exomes below 0.00001.

Submissions (12):

Evidence-based Network for the Interpretation of Germline Mutant Alleles (ENIGMA)
Classification: Pathogenic for Breast-ovarian cancer, familial, susceptibility to, 1. Last evaluated: 2016-09-08. Review status: reviewed by expert panel. Criteria: ENIGMA BRCA1/2 Classification Criteria (2015). Collection method: curation. Allele origin: germline.
Comment: Variant allele predicted to encode a truncated non-functional protein.

Labcorp Genetics (formerly Invitae), Labcorp
Classification: Pathogenic for Hereditary breast ovarian cancer syndrome. Last evaluated: 2025-06-01. Review status: criteria provided, single submitter. Criteria: Invitae Variant Classification Sherloc (09022015). Collection method: clinical testing. Allele origin: germline. Not counted in ClinVar's aggregate classification.
Comment: This sequence change creates a premature translational stop signal (p.Gln310Hisfs*4) in the BRCA1 gene. It is expected to result in an absent or disrupted protein product. Loss-of-function variants in BRCA1 are known to be pathogenic (PMID: 20104584). This variant is not present in population databases (gnomAD no frequency). This premature translational stop signal has been observed in individual(s) with a personal or family history of breast and/or ovarian cancer (PMID: 10644434, 30322717). This variant is also known as 1049delG. ClinVar contains an entry for this variant (Variation ID: 55759). For these reasons, this variant has been classified as Pathogenic.

Ambry Genetics
Classification: Pathogenic for Hereditary cancer-predisposing syndrome. Last evaluated: 2023-06-26. Review status: criteria provided, single submitter. Criteria: Ambry Variant Classification Scheme 2023. Collection method: clinical testing. Allele origin: germline. Not counted in ClinVar's aggregate classification.
Comment: The c.930delG pathogenic mutation, located in coding exon 9 of the BRCA1 gene, results from a deletion of one nucleotide at nucleotide position 930, causing a translational frameshift with a predicted alternate stop codon (p.Q310Hfs*4). This altreation was previously identified in a Swedish breast and/or ovarian cancer family (H&aring;kansson S et al. Am. J. Hum. Genet. 1997 May;60(5):1068-78; Johannsson O et al. Eur J Cancer. 1999 Aug;35(8):1248-57). Of note, this alteration is also known as 1049delG in published literature. In addition to the clinical data presented in the literature, this alteration is expected to result in loss of function by premature protein truncation or nonsense-mediated mRNA decay. As such, this alteration is interpreted as a disease-causing mutation.

Clinical Genetics Laboratory, Skane University Hospital Lund
Classification: Pathogenic. Last evaluated: 2022-12-12. Review status: criteria provided, single submitter. Criteria: ACMG Guidelines, 2015. Collection method: clinical testing. Allele origin: germline. Affected: yes. Not counted in ClinVar's aggregate classification.

Baylor Genetics
Classification: Pathogenic for Breast-ovarian cancer, familial, susceptibility to, 1. Last evaluated: 2021-06-01. Review status: criteria provided, single submitter. Criteria: ACMG Guidelines, 2015. Collection method: clinical testing. Allele origin: unknown. Not counted in ClinVar's aggregate classification.

GeneDx
Classification: Pathogenic. Last evaluated: 2017-11-29. Review status: criteria provided, single submitter. Criteria: GeneDx Variant Classification (06012015). Collection method: clinical testing. Allele origin: germline. Affected: yes. Not counted in ClinVar's aggregate classification.
Comment: This deletion of one nucleotide in BRCA1 is denoted c.930delG at the cDNA level and p.Gln310HisfsX4 (Q310HfsX4) at the protein level. The normal sequence, with the base that is deleted in braces, is AACA[G]CCTG. The deletion causes a frameshift, which changes a Glutamine to a Histidine at codon 310, and creates a premature stop codon at position 4 of the new reading frame. This variant is predicted to cause loss of normal protein function through either protein truncation or nonsense-mediated mRNA decay. BRCA1 c.930delG, previously reported as 1049delG using alternate nomenclature, has been reported in at least two familial breast/ovarian cancer kindreds (Hakansson 1997, Arver 2001) and is considered pathogenic.

Consortium of Investigators of Modifiers of BRCA1/2 (CIMBA), c/o University of Cambridge
Classification: Pathogenic for Breast-ovarian cancer, familial, susceptibility to, 1. Last evaluated: 2015-10-02. Review status: criteria provided, single submitter. Criteria: CIMBA Mutation Classification guidelines May 2016. Collection method: clinical testing. Allele origin: germline. Not counted in ClinVar's aggregate classification.

Quest Diagnostics Nichols Institute San Juan Capistrano
Classification: Pathogenic for Breast-ovarian cancer, familial, susceptibility to, 1. Last evaluated: 2015-09-12. Review status: criteria provided, single submitter. Criteria: Quest Diagnostics criteria. Collection method: clinical testing. Allele origin: germline. Inheritance: Autosomal dominant inheritance. Not counted in ClinVar's aggregate classification.

Clinical Genetics and Genomics, Karolinska University Hospital
Classification: Pathogenic. Last evaluated: 2014-11-19. Review status: criteria provided, single submitter. Criteria: ACMG Guidelines, 2015. Collection method: clinical testing. Allele origin: germline. Affected: yes. Observed: 9 variant alleles. Not counted in ClinVar's aggregate classification.

BRCAlab, Lund University
Classification: Pathogenic for Breast-ovarian cancer, familial, susceptibility to, 1. Last evaluated: 2022-08-26. Review status: no assertion criteria provided. Collection method: clinical testing. Allele origin: germline. Affected: yes. Not counted in ClinVar's aggregate classification.

Research Molecular Genetics Laboratory, Women's College Hospital, University of Toronto
Classification: Pathogenic for Hereditary breast ovarian cancer syndrome. Last evaluated: 2014-01-31. Review status: no assertion criteria provided. Collection method: research. Allele origin: germline. Affected: yes. Study: The Canadian Open Genetics Repository (COGR). Not counted in ClinVar's aggregate classification.

Breast Cancer Information Core (BIC) (BRCA1)
Classification: Pathogenic for Breast-ovarian cancer, familial 1. Last evaluated: 1999-04-12. Review status: no assertion criteria provided. Collection method: clinical testing. Allele origin: germline. Affected: yes. Observed: 4 variant alleles. Not counted in ClinVar's aggregate classification.

Literature cited by the submitters: PubMed 20104584 (cited by Labcorp Genetics (formerly Invitae), Labcorp); PubMed 10644434 (cited by 3 submitters); PubMed 30322717 (cited by Labcorp Genetics (formerly Invitae), Labcorp); PubMed 9150154 (cited by Ambry Genetics); PubMed 26295337 (cited by Quest Diagnostics Nichols Institute San Juan Capistrano).

NM_007294.4(BRCA1):c.930del (p.Gln310fs)

Gene: BRCA1 (BRCA1 DNA repair associated; minus strand). Cytogenetic location: 17q21.31.
Variant type: Deletion.
Coding change: c.930del on transcript NM_007294.4 (MANE Select); coding-DNA position 930, one base deleted (G; older notation c.930delG).
Protein change: p.Gln310fs; shifts the reading frame from glutamine 310.
Molecular consequence: frameshift variant. On other transcripts: intron variant (137).
Genome position (GRCh38, 1-based): chr17:43,094,601, C deleted on the plus strand (G on the coding strand, the reverse complement: BRCA1 is on the minus strand). VCF-style (leftmost placement, unchanged base first): chr17-43094600-GC-G. GRCh37 (hg19) VCF-style: chr17-41246617-GC-G.
Other names: 1049delG; c.646+143del (NM_001408454.1, NM_001408456.1, NM_001408410.1 and 11 more transcripts); c.706+143del (NM_001408413.1, NM_001408416.1); c.586+143del (NM_001408476.1, NM_001408474.1); c.709+143del (NM_001408409.1, NM_001408414.1, NM_001408411.1 and 2 more transcripts); c.574+143del (NM_001408493.1, NM_001408490.1, NM_001408491.1); c.454+143del (NM_001408502.1); c.577+143del (NM_001408489.1, NM_001408479.1, NM_001408482.1 and 9 more transcripts); and 41 more; short protein forms Q263fs, Q310fs, Q142fs, Q182fs, Q239fs, Q268fs, Q283fs, Q183fs.
Identifiers: ClinVar variation 55759 (VCV000055759.37), dbSNP rs80357689, ClinGen allele CA003974.